The following is an entry in ClinVar:

ClinVar aggregate classification (germline): Uncertain significance (1 of 4 stars; one submission).

Conditions:
Brody myopathy. Also called: BRODY DISEASE. Identifiers: Orphanet 53347, MedGen C1832918, MONDO:0010977, OMIM 601003.

Allele frequency attached by ClinVar (database versions not stated): gnomAD exomes below 0.00001; TOPMed below 0.00001; ExAC 0.00001.
gnomAD v4.1: 1 of 1,613,650 alleles (0.000062%); highest among the groups gnomAD compares: Admixed American, 0.0017%; no homozygotes.

Submission:

Labcorp Genetics (formerly Invitae), Labcorp
Classification: Uncertain significance for Brody myopathy. Last evaluated: 2024-02-17. Review status: criteria provided, single submitter. Criteria: Invitae Variant Classification Sherloc (09022015). Collection method: clinical testing. Allele origin: germline.
Comment: This sequence change replaces lysine, which is basic and polar, with asparagine, which is neutral and polar, at codon 158 of the ATP2A1 protein (p.Lys158Asn). The frequency data for this variant in the population databases is considered unreliable, as metrics indicate poor data quality at this position in the gnomAD database. This variant has not been reported in the literature in individuals affected with ATP2A1-related conditions. ClinVar contains an entry for this variant (Variation ID: 1485549). An algorithm developed to predict the effect of missense changes on protein structure and function (PolyPhen-2) suggests that this variant is likely to be disruptive. In summary, the available evidence is currently insufficient to determine the role of this variant in disease. Therefore, it has been classified as a Variant of Uncertain Significance.

NM_004320.6(ATP2A1):c.474A>T (p.Lys158Asn)

Gene: ATP2A1 (ATPase sarcoplasmic/endoplasmic reticulum Ca2+ transporting 1; plus strand). Cytogenetic location: 16p11.2.
Variant type: single nucleotide variant.
Coding change: c.474A>T on transcript NM_004320.6 (MANE Select); coding-DNA position 474, A replaced by T.
Protein change: p.Lys158Asn; replaces lysine 158 with asparagine.
Molecular consequence: missense variant.
Genome position (GRCh38, 1-based): chr16:28,884,585, A>T. VCF-style: chr16-28884585-A-T. GRCh37 (hg19) VCF-style: chr16-28895906-A-T.
Other names: c.99A>T, p.Lys33Asn (NM_001286075.2); c.474A>T, p.Lys158Asn (NM_173201.5); short protein forms K158N, K33N.
Identifiers: ClinVar variation 1485549 (VCV001485549.8), dbSNP rs777744607, ClinGen allele CA7986667.